The following is an entry in ClinVar:

ClinVar aggregate classification (germline): Uncertain significance (1 of 4 stars; one submission).

gnomAD v4.1: 159 of 1,539,564 alleles (0.01%); highest among the groups gnomAD compares: Middle Eastern, 0.034%; 1 homozygote.

Submission:

GeneDx
Classification: Uncertain significance. Last evaluated: 2026-03-19. Review status: criteria provided, single submitter. Criteria: GeneDx Variant Classification Process June 2021. Collection method: clinical testing. Allele origin: germline.
Comment: In silico analysis suggests that this missense variant does not alter protein structure/function; Has not been previously published as pathogenic or benign to our knowledge

NM_001367479.1(DNAH14):c.13646C>T (p.Thr4549Ile)

Gene: DNAH14 (dynein axonemal heavy chain 14; plus strand). Cytogenetic location: 1q42.12.
Variant type: single nucleotide variant.
Coding change: c.13646C>T on transcript NM_001367479.1 (MANE Select); coding-DNA position 13646, C replaced by T.
Protein change: p.Thr4549Ile; replaces threonine 4549 with isoleucine.
Molecular consequence: missense variant.
Genome position (GRCh38, 1-based): chr1:225,399,061, C>T. VCF-style: chr1-225399061-C-T. GRCh37 (hg19) VCF-style: chr1-225586763-C-T.
Other names: NM_001373.1:c.13340C>T; short protein forms T4549I.
Identifiers: ClinVar variation 5009508 (VCV005009508.1).